The following is an entry in ClinVar:

ClinVar aggregate classification (germline): Benign. Review status: criteria provided, multiple submitters, no conflicts (2 of 4 stars). 2 submissions from 2 submitters: Benign (2). Last evaluated 2018-06-14.

Allele frequency attached by ClinVar (database versions not stated): ExAC 0.14154; gnomAD 0.14350; ESP Exome Variant Server 0.14878; TOPMed 0.16188; 1000 Genomes Project 0.18990; 1000 Genomes Project 30x 0.19019.
gnomAD v4.1: 183,872 of 1,612,904 alleles (11%); highest among the groups gnomAD compares: East Asian, 24%; 12,253 homozygotes.

Submissions (2):

GeneDx
Classification: Benign. Last evaluated: 2018-06-14. Review status: criteria provided, single submitter. Criteria: GeneDx Variant Classification (06012015). Collection method: clinical testing. Allele origin: germline. Affected: yes.
Comment: This variant is considered likely benign or benign based on one or more of the following criteria: it is a conservative change, it occurs at a poorly conserved position in the protein, it is predicted to be benign by multiple in silico algorithms, and/or has population frequency not consistent with disease.

Breakthrough Genomics
Classification: Benign. Review status: criteria provided, single submitter. Criteria: ACMG Guidelines, 2015. Collection method: not provided. Allele origin: germline. Inheritance: Autosomal dominant inheritance. Affected: yes.

NM_001103.4(ACTN2):c.1656+33A>G

Gene: ACTN2 (actinin alpha 2; plus strand). Cytogenetic location: 1q43.
Variant type: single nucleotide variant.
Coding change: c.1656+33A>G on transcript NM_001103.4 (MANE Select); 33 bases into the intron after coding-DNA position 1656, A replaced by G.
Molecular consequence: intron variant.
Genome position (GRCh38, 1-based): chr1:236,749,297, A>G. VCF-style: chr1-236749297-A-G. GRCh37 (hg19) VCF-style: chr1-236912597-A-G.
Other names: c.1032+33A>G (NM_001278344.2); c.1656+33A>G (NM_001278343.2).
Identifiers: ClinVar variation 671233 (VCV000671233.2), dbSNP rs2297955, ClinGen allele CA1473215.